The following is an entry in ClinVar:

ClinVar aggregate classification (germline): Pathogenic (1 of 4 stars; one submission).

Conditions:
VPS13A-related neurodegenerative disease. Also called: ACANTHOCYTOSIS WITH NEUROLOGIC DISORDER; LEVINE-CRITCHLEY SYNDROME; Choreoacanthocytosis; Chorea-acanthocytosis; Choreaacanthocytosis; VPS13A Disease. Identifiers: Orphanet 2388, MedGen C0393576, MONDO:0008695, OMIM 200150.

Submission:

Myriad Genetics, Inc.
Classification: Pathogenic for VPS13A-related neurodegenerative disease. Last evaluated: 2025-08-10. Review status: criteria provided, single submitter. Criteria: Myriad Autosomal Dominant, Autosomal Recessive and X-Linked Classification Criteria (2023). Collection method: clinical testing. Allele origin: unknown.
Comment: NM_033305.2(VPS13A):c.229C>T(Q77*) is expected to be pathogenic in the context of VPS13A disease. This variant is predicted to lead to an abnormal or absent protein product due to the creation of a premature termination codon in VPS13A, a gene where loss-of-function variants are known to be pathogenic. Please note: this variant was assessed in the context of healthy population screening.

NM_033305.3(VPS13A):c.229C>T (p.Gln77Ter)

Gene: VPS13A (vacuolar protein sorting 13 homolog A; plus strand). Cytogenetic location: 9q21.2.
Variant type: single nucleotide variant.
Coding change: c.229C>T on transcript NM_033305.3 (MANE Select); coding-DNA position 229, C replaced by T.
Protein change: p.Gln77Ter; replaces glutamine 77 with a stop codon.
Molecular consequence: nonsense.
Genome position (GRCh38, 1-based): chr9:77,205,354, C>T. VCF-style: chr9-77205354-C-T. GRCh37 (hg19) VCF-style: chr9-79820270-C-T.
Other names: c.229C>T, p.Gln77Ter (NM_001018037.2, NM_001018038.3, NM_015186.4); short protein forms Q77*.
Identifiers: ClinVar variation 5014850 (VCV005014850.1).
Genomic context (GRCh38, chr9:77,205,354, plus strand): 5'-TTTTCCCAAAAAAATGTAGGTAATCTTAAACTTATAATTCCATGGAAAAACCTTTATACT[C>T]AACCTGTTGAAGCCGTATTGGAAGAAATTTATTTACTTATAGTGCCTTCTTCTAGTAAGT-3'